The following is an entry in ClinVar:

ClinVar aggregate classification (germline): Uncertain significance (1 of 4 stars; one submission).

Conditions:
TECTA-related disorder. Also called: TECTA-related condition.

Submission:

PreventionGenetics, part of Exact Sciences
Classification: Uncertain significance for TECTA-related condition. Last evaluated: 2023-04-20. Review status: criteria provided, single submitter. Criteria: ACMG Guidelines, 2015. Collection method: clinical testing. Allele origin: germline.
Comment: The TECTA c.3221C>G variant is predicted to result in the amino acid substitution p.Thr1074Ser. To our knowledge, this variant has not been reported in the literature or in a large population database, indicating this variant is rare. At this time, the clinical significance of this variant is uncertain due to the absence of conclusive functional and genetic evidence.

NM_005422.4(TECTA):c.3221C>G (p.Thr1074Ser)

Genes: TBCEL-TECTA (TBCEL-TECTA readthrough; plus strand), TECTA (tectorin alpha; plus strand). Cytogenetic location: 11q23.3.
Variant type: single nucleotide variant.
Coding change: c.3221C>G on transcript NM_005422.4 (MANE Select); coding-DNA position 3221, C replaced by G.
Protein change: p.Thr1074Ser; replaces threonine 1074 with serine.
Molecular consequence: missense variant.
Genome position (GRCh38, 1-based): chr11:121,137,700, C>G. VCF-style: chr11-121137700-C-G. GRCh37 (hg19) VCF-style: chr11-121008409-C-G.
Other names: c.4178C>G, p.Thr1393Ser (NM_001378761.1); short protein forms T1074S, T1393S.
Identifiers: ClinVar variation 2632789 (VCV002632789.1), dbSNP rs1946744885, ClinGen allele CA383019230.